The following is an entry in ClinVar:

ClinVar aggregate classification (germline): Likely benign. Review status: criteria provided, multiple submitters, no conflicts (2 of 4 stars). 3 submissions from 3 submitters: Likely benign (3). Last evaluated 2025-09-06.

Conditions:
Hereditary cancer-predisposing syndrome. Also called: Tumor predisposition; Neoplastic Syndromes, Hereditary; Hereditary Cancer Syndrome; Hereditary neoplastic syndrome. Identifiers: Orphanet 140162, MedGen C0027672, MeSH D009386, MONDO:0015356.

Allele frequency attached by ClinVar (database versions not stated): gnomAD exomes below 0.00001.
gnomAD v4.1: 1 of 1,614,150 alleles (0.000062%); highest among the groups gnomAD compares: Non-Finnish European, 0.000085%; no homozygotes.

Submissions (3):

Labcorp Genetics (formerly Invitae), Labcorp
Classification: Likely benign. Last evaluated: 2025-09-06. Review status: criteria provided, single submitter. Criteria: Invitae Variant Classification Sherloc (09022015). Collection method: clinical testing. Allele origin: germline.

CeGaT Center for Human Genetics Tuebingen
Classification: Likely benign. Last evaluated: 2023-08-01. Review status: criteria provided, single submitter. Criteria: CeGaT Center For Human Genetics Tuebingen Variant Classification Criteria Version 2. Collection method: clinical testing. Allele origin: germline. Affected: yes. Observed: 1 variant allele.
Comment: POLE: PM2:Supporting, BP4, BP7

Ambry Genetics
Classification: Likely benign for Hereditary cancer-predisposing syndrome. Last evaluated: 2019-01-07. Review status: criteria provided, single submitter. Criteria: Ambry Variant Classification Scheme 2023. Collection method: clinical testing. Allele origin: germline.

NM_006231.4(POLE):c.1893C>T (p.Tyr631=)

Gene: POLE (DNA polymerase epsilon, catalytic subunit; minus strand). Cytogenetic location: 12q24.33.
Variant type: single nucleotide variant.
Coding change: c.1893C>T on transcript NM_006231.4 (MANE Select); coding-DNA position 1893, C replaced by T.
Protein change: p.Tyr631=; no amino-acid change (tyrosine 631 retained).
Molecular consequence: synonymous variant.
Genome position (GRCh38, 1-based): chr12:132,668,841, G>A on the plus strand (C>T on the coding strand, the complement: POLE is on the minus strand). VCF-style: chr12-132668841-G-A. GRCh37 (hg19) VCF-style: chr12-133245427-G-A.
Identifiers: ClinVar variation 1563872 (VCV001563872.33), dbSNP rs2135979111, ClinGen allele CA482849526.